The following is an entry in ClinVar:

ClinVar aggregate classification (germline): Pathogenic. Review status: criteria provided, multiple submitters, no conflicts (2 of 4 stars). 6 submissions from 6 submitters: Pathogenic (5). 1 of the submissions does not count toward it. Last evaluated 2024-04-04.

Conditions:
Hermansky-Pudlak syndrome 5 (HPS5). Identifiers: Orphanet 231512, Orphanet 79430, MedGen C3888004, MONDO:0013557, OMIM 614074.
Hermansky-Pudlak syndrome (HPS). Also called: ALBINISM WITH HEMORRHAGIC DIATHESIS AND PIGMENTED RETICULOENDOTHELIAL CELLS. Identifiers: Orphanet 79430, MedGen C0079504, MONDO:0019312.

Submissions (6):

Genomic Medicine Center of Excellence, King Faisal Specialist Hospital and Research Centre
Classification: Pathogenic for Hermansky-Pudlak syndrome 5. Last evaluated: 2024-04-04. Review status: criteria provided, single submitter. Criteria: ACMG Guidelines, 2015. Collection method: clinical testing. Allele origin: germline.

Fulgent Genetics
Classification: Pathogenic for Hermansky-Pudlak syndrome 5. Last evaluated: 2024-03-30. Review status: criteria provided, single submitter. Criteria: ACMG Guidelines, 2015. Collection method: clinical testing. Allele origin: germline.

Labcorp Genetics (formerly Invitae), Labcorp
Classification: Pathogenic. Last evaluated: 2023-11-09. Review status: criteria provided, single submitter. Criteria: Invitae Variant Classification Sherloc (09022015). Collection method: clinical testing. Allele origin: germline.
Comment: This sequence change creates a premature translational stop signal (p.Cys993Trpfs*16) in the HPS5 gene. It is expected to result in an absent or disrupted protein product. Loss-of-function variants in HPS5 are known to be pathogenic (PMID: 12548288, 15296495, 21833017, 26785811). This variant is not present in population databases (gnomAD no frequency). This premature translational stop signal has been observed in individual(s) with Hermansky-Pudlak syndrome (PMID: 28640947). ClinVar contains an entry for this variant (Variation ID: 280536). For these reasons, this variant has been classified as Pathogenic.

NIHR Bioresource Rare Diseases, University of Cambridge
Classification: Pathogenic for Hermansky-Pudlak syndrome. Last evaluated: 2019-02-01. Review status: criteria provided, single submitter. Criteria: ACMG Guidelines, 2015. Collection method: research. Allele origin: unknown. Affected: yes. Observed: 1 homozygote. Study: ThromboGenomics.

GeneDx
Classification: Pathogenic. Last evaluated: 2016-04-22. Review status: criteria provided, single submitter. Criteria: GeneDx Variant Classification (06012015). Collection method: clinical testing. Allele origin: germline. Affected: yes.
Comment: The c.2979_2982delTTTG pathogenic variant in the HPS5 gene has not been reported previously as a pathogenic variant nor as a benign variant, to our knowledge. The c.2979_2982delTTTG variant causes a frameshift starting with codon Cysteine, changes this amino acid to a Tryptophan residue, and creates a premature Stop codon at position 16 of the new reading frame, denoted p.Cys993TrpfsX16. This variant is predicted to cause loss of normal protein function either through protein truncation or nonsense-mediated mRNA decay. The c.2979_2982delTTTG variant was not observed in approximately 6500 individuals of European and African American ancestry in the NHLBI Exome Sequencing Project, indicating it is not a common benign variant in these populations. We interpret c.2979_2982delTTTG as a pathogenic variant.

Laboratoire de Génétique Moléculaire, CHU Bordeaux
Classification: Pathogenic for Hermansky-Pudlak syndrome 5. Last evaluated: 2017-03-14. Review status: no assertion criteria provided. Collection method: clinical testing. Allele origin: paternal. Affected: yes. Not counted in ClinVar's aggregate classification.

Literature cited by the submitters: PubMed 12548288 (cited by Labcorp Genetics (formerly Invitae), Labcorp); PubMed 15296495 (cited by Labcorp Genetics (formerly Invitae), Labcorp); PubMed 21833017 (cited by Labcorp Genetics (formerly Invitae), Labcorp); PubMed 26785811 (cited by Labcorp Genetics (formerly Invitae), Labcorp); PubMed 28640947 (cited by Labcorp Genetics (formerly Invitae), Labcorp and Laboratoire de Génétique Moléculaire, CHU Bordeaux); PubMed 31064749 (cited by NIHR Bioresource Rare Diseases, University of Cambridge).

NM_181507.2(HPS5):c.2979_2982del (p.Cys993fs)

Gene: HPS5 (HPS5 biogenesis of lysosomal organelles complex 2 subunit 2; minus strand). Cytogenetic location: 11p15.1.
Variant type: Deletion.
Coding change: c.2979_2982del on transcript NM_181507.2 (MANE Select); coding-DNA positions 2979 to 2982, 4 bases deleted (TTTG; older notation c.2979_2982delTTTG).
Protein change: p.Cys993fs; shifts the reading frame from cysteine 993.
Molecular consequence: frameshift variant.
Genome position (GRCh38, 1-based): chr11:18,283,871-18,283,874, CAAA deleted on the plus strand (TTTG on the coding strand, the reverse complement: HPS5 is on the minus strand); deleting any 4 consecutive bases within chr11:18,283,871-18,283,876 gives the same sequence; the c. name uses the placement nearest the transcript's 3' end. VCF-style (leftmost placement, unchanged base first): chr11-18283870-CCAAA-C. GRCh37 (hg19) VCF-style: chr11-18305417-CCAAA-C.
Other names: c.2979_2982delTTTG (NM_181507.1); c.2637_2640del, p.Cys879fs (NM_007216.4); c.2635_2638delTGTT, p.Cys879Trpfs (NM_181508.2); short protein forms C879fs.
Identifiers: ClinVar variation 280536 (VCV000280536.10), dbSNP rs886041723, ClinGen allele CA10603112.
Genomic context (GRCh38, chr11:18,283,870, plus strand): 5'-TCAGGCTCATATCATTCAGATACACAATATTGGTGAAGGCCTCTCTTCTTCTCTCCAGCT[CCAAA>C]CAGAGAATTAGATATCCAGGCCAGAAACTTTAAAGAGACCGAAGTTGAAGAAAGGAATAA-3'